The following is an entry in ClinVar:

ClinVar aggregate classification (germline): Pathogenic (1 of 4 stars; one submission).

Conditions:
Marfan syndrome (MFS). Also called: MARFAN SYNDROME, TYPE I; Marfan syndrome type 1; Marfan's syndrome; Marfan syndrome, classic; FBN1-Related Marfan Syndrome. Identifiers: Orphanet 284963, Orphanet 558, MedGen C0024796, MONDO:0007947, OMIM 154700.
Familial thoracic aortic aneurysm and aortic dissection (TAAD). Also called: Thoracic aortic aneurysms and dissections. Identifiers: Orphanet 91387, MedGen C4707243, MONDO:0019625.

Submission:

Labcorp Genetics (formerly Invitae), Labcorp
Classification: Pathogenic for Marfan syndrome; Familial thoracic aortic aneurysm and aortic dissection. Last evaluated: 2023-12-18. Review status: criteria provided, single submitter. Criteria: Invitae Variant Classification Sherloc (09022015). Collection method: clinical testing. Allele origin: germline.
Comment: This sequence change creates a premature translational stop signal (p.Arg1820Profs*71) in the FBN1 gene. It is expected to result in an absent or disrupted protein product. Loss-of-function variants in FBN1 are known to be pathogenic (PMID: 17657824, 19293843). This variant is not present in population databases (gnomAD no frequency). This variant has not been reported in the literature in individuals affected with FBN1-related conditions. For these reasons, this variant has been classified as Pathogenic.

Literature cited by the submitters: PubMed 17657824; PubMed 19293843.

NM_000138.5(FBN1):c.5459_5465del (p.Arg1820fs)

Gene: FBN1 (fibrillin 1; minus strand). Cytogenetic location: 15q21.1.
Variant type: Deletion.
Coding change: c.5459_5465del on transcript NM_000138.5 (MANE Select); coding-DNA positions 5459 to 5465, 7 bases deleted (GCAACGC; older notation c.5459_5465delGCAACGC).
Protein change: p.Arg1820fs; shifts the reading frame from arginine 1820.
Molecular consequence: frameshift variant.
Genome position (GRCh38, 1-based): chr15:48,452,642-48,452,648, GCGTTGC deleted on the plus strand (GCAACGC on the coding strand, the reverse complement: FBN1 is on the minus strand); deleting any 7 consecutive bases within chr15:48,452,642-48,452,650 gives the same sequence; the c. name uses the placement nearest the transcript's 3' end. VCF-style (leftmost placement, unchanged base first): chr15-48452641-GGCGTTGC-G. GRCh37 (hg19) VCF-style: chr15-48744838-GGCGTTGC-G.
Other names: c.5459_5465del, p.Arg1820fs (NM_001406716.1); short protein forms R1820fs.
Identifiers: ClinVar variation 2953514 (VCV002953514.3), dbSNP rs2505470770, ClinGen allele CA2740096641.